The following is an entry in ClinVar:

ClinVar aggregate classification (germline): Uncertain significance. Review status: criteria provided, multiple submitters, no conflicts (2 of 4 stars). 2 submissions from 2 submitters: Uncertain significance (2). Last evaluated 2025-05-14.

Allele frequency attached by ClinVar (database versions not stated): gnomAD exomes below 0.00001.
gnomAD v4.1: 5 of 1,211,633 alleles (0.00041%); highest among the groups gnomAD compares: Non-Finnish European, 0.00056%; no homozygotes.

Submissions (2):

GeneDx
Classification: Uncertain significance. Last evaluated: 2025-05-14. Review status: criteria provided, single submitter. Criteria: GeneDx Variant Classification Process June 2021. Collection method: clinical testing. Allele origin: germline. Affected: yes.
Comment: Not observed at significant frequency in large population cohorts (gnomAD); In silico analysis supports that this missense variant has a deleterious effect on protein structure/function; Has not been previously published as pathogenic or benign to our knowledge

Labcorp Genetics (formerly Invitae), Labcorp
Classification: Uncertain significance. Last evaluated: 2021-03-27. Review status: criteria provided, single submitter. Criteria: Invitae Variant Classification Sherloc (09022015). Collection method: clinical testing. Allele origin: germline.
Comment: In summary, the available evidence is currently insufficient to determine the role of this variant in disease. Therefore, it has been classified as a Variant of Uncertain Significance. Algorithms developed to predict the effect of missense changes on protein structure and function (SIFT, PolyPhen-2, Align-GVGD) all suggest that this variant is likely to be disruptive, but these predictions have not been confirmed by published functional studies and their clinical significance is uncertain. This variant has not been reported in the literature in individuals with CLCN4-related conditions. This variant is not present in population databases (ExAC no frequency). This sequence change replaces alanine with valine at codon 477 of the CLCN4 protein (p.Ala477Val). The alanine residue is highly conserved and there is a small physicochemical difference between alanine and valine.

NM_001830.4(CLCN4):c.1430C>T (p.Ala477Val)

Gene: CLCN4 (chloride voltage-gated channel 4; plus strand). Cytogenetic location: Xp22.2.
Variant type: single nucleotide variant.
Coding change: c.1430C>T on transcript NM_001830.4 (MANE Select); coding-DNA position 1430, C replaced by T.
Protein change: p.Ala477Val; replaces alanine 477 with valine.
Molecular consequence: missense variant.
Genome position (GRCh38, 1-based): chrX:10,212,507, C>T. VCF-style: chrX-10212507-C-T. GRCh37 (hg19) VCF-style: chrX-10180547-C-T.
Other names: c.1430C>T (NM_001830.3); c.1148C>T, p.Ala383Val (NM_001256944.2); short protein forms A383V, A477V.
Identifiers: ClinVar variation 1414524 (VCV001414524.10), dbSNP rs2147182625, ClinGen allele CA412040659.